The following is an entry in ClinVar:

ClinVar aggregate classification (germline): Conflicting classifications of pathogenicity. Review status: criteria provided, conflicting classifications (1 of 4 stars). 4 submissions from 4 submitters: Uncertain significance (2); Likely benign (2). Last evaluated 2025-12-03.

Conditions:
COL2A1-related disorder. Also called: COL2A1-related condition; COL2A1-related disorders.
Spondyloepimetaphyseal dysplasia, Strudwick type (SEMDSTWK). Also called: DAPPLED METAPHYSIS SYNDROME; STRUDWICK SYNDROME. Identifiers: Orphanet 93346, MedGen C0700635, MONDO:0008476, OMIM 184250.
Namaqualand hip dysplasia (OSCDP). Also called: Mild spondyloepiphyseal dysplasia due to COL2A1 mutation with early-onset osteoarthritis. Identifiers: Orphanet 93279, MedGen C0432214, MONDO:0011496, OMIM 604864.
Avascular necrosis of femoral head, primary, 1 (ANFH1). Also called: Avascular necrosis of femoral head, primary. Identifiers: Orphanet 86820, MedGen C4551562, MONDO:0054550, OMIM 608805.
Spondyloepiphyseal dysplasia with metatarsal shortening. Also called: Pseudorheumatoid dysplasia progressive, with hypoplastic toes; CZECH DYSPLASIA, METATARSAL TYPE; SPONDYLOEPIPHYSEAL DYSPLASIA WITH PRECOCIOUS OSTEOARTHRITIS. Identifiers: Orphanet 137678, MedGen C1836683, MONDO:0012206, OMIM 609162.
Stickler syndrome, type I, nonsyndromic ocular. Also called: STICKLER SYNDROME, ATYPICAL; STICKLER SYNDROME, TYPE I, PREDOMINANTLY OCULAR. Identifiers: MedGen C1836080, MONDO:0012287, OMIM 609508.
Vitreoretinopathy with phalangeal epiphyseal dysplasia (VPED). Identifiers: MedGen C1852989, MONDO:0031001, OMIM 619248.
Spondyloperipheral dysplasia. Also called: Spondyloperipheral dysplasia-short ulna syndrome; SPONDYLOPERIPHERAL DYSPLASIA WITH SHORT ULNA. Identifiers: Orphanet 1856, MedGen C0796173, MONDO:0010078, OMIM 271700.
Kniest dysplasia. Identifiers: Orphanet 485, MedGen C0265279, MONDO:0007987, OMIM 156550.
Legg-Calve-Perthes disease. Also called: Avascular necrosis of the capital femoral epiphysis; Osteochondritis deformans; Coxa plana; PERTHES DISEASE. Identifiers: Orphanet 2380, MedGen C1442965, MONDO:0007885, OMIM 150600, HP:0005743.
Multiple epiphyseal dysplasia, Beighton type. Identifiers: Orphanet 166011, MedGen C1851536, MONDO:0007562, OMIM 132450.
Spondyloepiphyseal dysplasia congenita (SEDC). Also called: SED CONGENITA; SPONDYLOEPIPHYSEAL DYSPLASIA, CONGENITAL TYPE. Identifiers: Orphanet 94068, MedGen C2745959, MONDO:0008471, OMIM 183900.
Spondyloepiphyseal dysplasia, Stanescu type. Also called: SED, STANESCU TYPE; SPONDYLOEPIMETAPHYSEAL DYSPLASIA, STANESCU TYPE. Identifiers: Orphanet 459051, MedGen C4225273, MONDO:0014701, OMIM 616583.
Spondylometaphyseal dysplasia - Sutcliffe type. Also called: Sutcliffe type of spondylometaphyseal dysplasia; Sutcliffe SMD; Spondylometaphyseal Dysplasia, Corner Fracture Type; Spondylometaphyseal dysplasia, 'corner fracture' type. Identifiers: Orphanet 93315, MedGen C0432221, MONDO:0008479, OMIM 184255.
Stickler syndrome type 1 (STL1). Also called: ARTHROOPHTHALMOPATHY, HEREDITARY PROGRESSIVE; COL2A1-Related Stickler Syndrome; STICKLER SYNDROME, MEMBRANOUS VITREOUS TYPE; STICKLER SYNDROME, VITREOUS TYPE 1. Identifiers: Orphanet 828, Orphanet 90653, MedGen C2020284, MONDO:0007160, OMIM 108300.
Platyspondylic dysplasia, Torrance type (PLSDT). Identifiers: Orphanet 85166, MedGen C1835437, MONDO:0007895, OMIM 151210.
Achondrogenesis type II (ACG2). Also called: ACHONDROGENESIS, LANGER-SALDINO TYPE; CHONDROGENESIS IMPERFECTA. Identifiers: Orphanet 932, Orphanet 93296, MedGen C0220685, MONDO:0008702, OMIM 200610.

Allele frequency attached by ClinVar (database versions not stated): gnomAD 0.00001; gnomAD exomes 0.00001 and 0.00004; TOPMed 0.00001; ExAC 0.00002.
gnomAD v4.1: 17 of 1,613,298 alleles (0.0011%); highest among the groups gnomAD compares: Admixed American, 0.005%; no homozygotes.

Submissions (4):

Labcorp Genetics (formerly Invitae), Labcorp
Classification: Likely benign. Last evaluated: 2025-12-03. Review status: criteria provided, single submitter. Criteria: Invitae Variant Classification Sherloc (09022015). Collection method: clinical testing. Allele origin: germline.

PreventionGenetics, part of Exact Sciences
Classification: Uncertain significance for COL2A1-related condition. Last evaluated: 2025-07-14. Review status: criteria provided, single submitter. Criteria: ACMG Guidelines, 2015. Collection method: clinical testing. Allele origin: germline.
Comment: The COL2A1 c.1057G>A variant is predicted to result in the amino acid substitution p.Ala353Thr. To our knowledge, this variant has not been reported in the literature. This variant is reported in 0.0099% of alleles in individuals of Ashkenazi Jewish descent in gnomAD. At this time, the clinical significance of this variant is uncertain due to the absence of conclusive functional and genetic evidence.

Blueprint Genetics
Classification: Likely benign. Last evaluated: 2024-06-13. Review status: criteria provided, single submitter. Criteria: ACMG Guidelines, 2015. Collection method: clinical testing. Allele origin: germline.

Fulgent Genetics
Classification: Uncertain significance for Stickler syndrome type 1; Multiple epiphyseal dysplasia, Beighton type; Legg-Calve-Perthes disease; Platyspondylic dysplasia, Torrance type; Kniest dysplasia; Spondyloepiphyseal dysplasia congenita; Spondyloepimetaphyseal dysplasia, Strudwick type; Spondylometaphyseal dysplasia - Sutcliffe type; Achondrogenesis type II; Spondyloperipheral dysplasia; Namaqualand hip dysplasia; Avascular necrosis of femoral head, primary, 1; Spondyloepiphyseal dysplasia with metatarsal shortening; Stickler syndrome, type I, nonsyndromic ocular; Spondyloepiphyseal dysplasia, Stanescu type; Vitreoretinopathy with phalangeal epiphyseal dysplasia. Last evaluated: 2022-02-20. Review status: criteria provided, single submitter. Criteria: ACMG Guidelines, 2015. Collection method: clinical testing. Allele origin: unknown.

NM_001844.5(COL2A1):c.1057G>A (p.Ala353Thr)

Gene: COL2A1 (collagen type II alpha 1 chain; minus strand). Cytogenetic location: 12q13.11.
Variant type: single nucleotide variant.
Coding change: c.1057G>A on transcript NM_001844.5 (MANE Select); coding-DNA position 1057, G replaced by A.
Protein change: p.Ala353Thr; replaces alanine 353 with threonine.
Molecular consequence: missense variant.
Genome position (GRCh38, 1-based): chr12:47,989,772, C>T on the plus strand (G>A on the coding strand, the complement: COL2A1 is on the minus strand). VCF-style: chr12-47989772-C-T. GRCh37 (hg19) VCF-style: chr12-48383555-C-T.
Other names: c.850G>A, p.Ala284Thr (NM_033150.3); c.1057G>A (NM_001844.4); short protein forms A284T, A353T.
Identifiers: ClinVar variation 1003871 (VCV001003871.14), dbSNP rs781554389, ClinGen allele CA6535630.